The following is an entry in ClinVar:

NM_024426.6(WT1):c.623C>T (p.Pro208Leu)

Genes: WT1 (WT1 transcription factor; minus strand), LOC107982234 (WT1/WT1-AS bi-directional promoter region; plus strand). Cytogenetic location: 11p13.
Variant type: single nucleotide variant.
Coding change: c.623C>T on transcript NM_024426.6 (MANE Select); coding-DNA position 623, C replaced by T.
Protein change: p.Pro208Leu; replaces proline 208 with leucine.
Molecular consequence: missense variant. On other transcripts: non-coding transcript variant (2).
Genome position (GRCh38, 1-based): chr11:32,434,738, G>A on the plus strand (C>T on the coding strand, the complement: WT1 is on the minus strand). VCF-style: chr11-32434738-G-A. GRCh37 (hg19) VCF-style: chr11-32456284-G-A.
Other names: c.623C>T, p.Pro208Leu (NM_000378.6, NM_001407044.1, NM_001407045.1 and 6 more transcripts); c.404C>T, p.Pro135Leu (NM_001429031.1, NM_001429032.1, NM_001429033.1 and 1 more transcripts); short protein forms P203L, P135L, P208L.
Identifiers: ClinVar variation 5032069 (VCV005032069.1).
Genomic context (GRCh38, chr11:32,434,738, plus strand): 5'-GGGCGCTCCCCGGCCTACTTACCCTGATTGCGAATAGCGGGCTGGCTCTCGAGGCAGCTG[G>A]GCAGGTAGGGCGCGTTAGGAAACATCCTGGCCTGGCCGGATGACGCCTGGCTGGGCGGAG-3'
Protein context (NP_077744.4, residues 198-218): ARMFPNAPYL[Pro208Leu]SCLESQPAIR

ClinVar aggregate classification (germline): Uncertain significance (1 of 4 stars; one submission).

Conditions:
Inborn genetic diseases. Identifiers: MedGen C0950123, MeSH D030342.

Submission:

Ambry Genetics
Classification: Uncertain significance for Inborn genetic diseases. Last evaluated: 2026-09-14. Review status: criteria provided, single submitter. Criteria: Ambry Variant Classification Scheme 2023. Collection method: clinical testing. Allele origin: germline.
Comment: The p.P203L variant (also known as c.608C>T), located in coding exon 1 of the WT1 gene, results from a C to T substitution at nucleotide position 608. The proline at codon 203 is replaced by leucine, an amino acid with similar properties. This amino acid position is conserved. In addition, the in silico prediction for this alteration is inconclusive. Based on the available evidence, the clinical significance of this variant remains unclear.